The following is an entry in ClinVar:

ClinVar aggregate classification (germline): Benign. Review status: criteria provided, multiple submitters, no conflicts (2 of 4 stars). 3 submissions from 3 submitters: Benign (2). 1 of the submissions does not count toward it. Last evaluated 2016-03-28.

Conditions:
MPO-related disorder. Also called: MPO-related condition.

Allele frequency attached by ClinVar (database versions not stated): 1000 Genomes Project 30x 0.14616; TOPMed 0.14897; gnomAD 0.14966 and 0.14992; 1000 Genomes Project 0.14976; ESP Exome Variant Server 0.15477.
gnomAD v4.1: 250,108 of 1,612,414 alleles (16%); highest among the groups gnomAD compares: South Asian, 17%; 19,702 homozygotes.

Submissions (3):

Laboratory for Molecular Medicine, Mass General Brigham Personalized Medicine
Classification: Benign. Last evaluated: 2016-03-28. Review status: criteria provided, single submitter. Criteria: LMM Criteria. Collection method: clinical testing. Allele origin: germline.
Comment: Variant identified in a genome or exome case(s) and assessed due to predicted null impact of the variant or pathogenic assertions in the literature or databases. Disclaimer: This variant has not undergone full assessment. The following are preliminary notes: Frequency

Breakthrough Genomics
Classification: Benign. Review status: criteria provided, single submitter. Criteria: ACMG Guidelines, 2015. Collection method: not provided. Allele origin: germline. Inheritance: Autosomal recessive inheritance. Affected: yes.

PreventionGenetics, part of Exact Sciences
Classification: Benign for MPO-related condition. Last evaluated: 2021-09-17. Review status: no assertion criteria provided. Collection method: clinical testing. Allele origin: germline. Not counted in ClinVar's aggregate classification.
Comment: This variant is classified as benign based on ACMG/AMP sequence variant interpretation guidelines (Richards et al. 2015 PMID: 25741868, with internal and published modifications).

NM_000250.2(MPO):c.2031-6A>C

Gene: MPO (myeloperoxidase; minus strand). Cytogenetic location: 17q22.
Variant type: single nucleotide variant.
Coding change: c.2031-6A>C on transcript NM_000250.2 (MANE Select); 6 bases into the intron before coding-DNA position 2031, A replaced by C.
Molecular consequence: intron variant.
Genome position (GRCh38, 1-based): chr17:58,270,869, T>G on the plus strand (A>C on the coding strand, the complement: MPO is on the minus strand). VCF-style: chr17-58270869-T-G. GRCh37 (hg19) VCF-style: chr17-56348230-T-G.
Identifiers: ClinVar variation 403102 (VCV000403102.7), dbSNP rs2071409, ClinGen allele CA8670432.